The following is an entry in ClinVar:

NM_001379270.1(CNGA1):c.1874G>T (p.Arg625Leu)

Genes: CNGA1 (cyclic nucleotide gated channel subunit alpha 1; minus strand), LOC101927157 (uncharacterized LOC101927157; plus strand). Cytogenetic location: 4p12.
Variant type: single nucleotide variant.
Coding change: c.1874G>T on transcript NM_001379270.1 (MANE Select); coding-DNA position 1874, G replaced by T.
Protein change: p.Arg625Leu; replaces arginine 625 with leucine.
Molecular consequence: missense variant.
Genome position (GRCh38, 1-based): chr4:47,936,608, C>A on the plus strand (G>T on the coding strand, the complement: CNGA1 is on the minus strand). VCF-style: chr4-47936608-C-A. GRCh37 (hg19) VCF-style: chr4-47938625-C-A.
Other names: c.1874G>T, p.Arg625Leu (NM_000087.5, NM_001142564.2); short protein forms R625L.
Identifiers: ClinVar variation 1910171 (VCV001910171.5), dbSNP rs373782782, ClinGen allele CA356823336.

ClinVar aggregate classification (germline): Uncertain significance (1 of 4 stars; one submission).

gnomAD v4.1: 3 of 1,614,150 alleles (0.00019%); highest among the groups gnomAD compares: Non-Finnish European, 0.00025%; no homozygotes.

Submission:

Labcorp Genetics (formerly Invitae), Labcorp
Classification: Uncertain significance. Last evaluated: 2025-04-08. Review status: criteria provided, single submitter. Criteria: Invitae Variant Classification Sherloc (09022015). Collection method: clinical testing. Allele origin: germline.
Comment: This sequence change replaces arginine, which is basic and polar, with leucine, which is neutral and non-polar, at codon 629 of the CNGA1 protein (p.Arg629Leu). This variant is present in population databases (no rsID available, gnomAD 0.0009%). This variant has not been reported in the literature in individuals affected with CNGA1-related conditions. ClinVar contains an entry for this variant (Variation ID: 1910171). Invitae Evidence Modeling of protein sequence and biophysical properties (such as structural, functional, and spatial information, amino acid conservation, physicochemical variation, residue mobility, and thermodynamic stability) indicates that this missense variant is not expected to disrupt CNGA1 protein function with a negative predictive value of 80%. In summary, the available evidence is currently insufficient to determine the role of this variant in disease. Therefore, it has been classified as a Variant of Uncertain Significance.